The following is an entry in ClinVar:

ClinVar aggregate classification (germline): Uncertain significance (1 of 4 stars; one submission).

Conditions:
Charcot-Marie-Tooth disease type 4. Also called: Charcot-Marie-Tooth disease, type IV; Charcot-Marie-Tooth, Type 4. Identifiers: Orphanet 64749, MedGen C4082197, MONDO:0018995.

Submission:

Labcorp Genetics (formerly Invitae), Labcorp
Classification: Uncertain significance for Charcot-Marie-Tooth disease type 4. Last evaluated: 2018-06-04. Review status: criteria provided, single submitter. Criteria: Invitae Variant Classification Sherloc (09022015). Collection method: clinical testing. Allele origin: germline.
Comment: Algorithms developed to predict the effect of missense changes on protein structure and function are either unavailable or do not agree on the potential impact of this missense change (SIFT: "Tolerated"; PolyPhen-2: "Probably Damaging"; Align-GVGD: "Class C0"). In summary, the available evidence is currently insufficient to determine the role of this variant in disease. Therefore, it has been classified as a Variant of Uncertain Significance. This variant has not been reported in the literature in individuals with PRX-related disease. While this variant is not present in population databases, the frequency information is unreliable, as metrics indicate poor data quality at this position in the ExAC database. This sequence change replaces glycine with aspartic acid at codon 247 of the PRX protein (p.Gly247Asp). The glycine residue is moderately conserved and there is a moderate physicochemical difference between glycine and aspartic acid.

NM_181882.3(PRX):c.740G>A (p.Gly247Asp)

Gene: PRX (periaxin; minus strand). Cytogenetic location: 19q13.2.
Variant type: single nucleotide variant.
Coding change: c.740G>A on transcript NM_181882.3 (MANE Select); coding-DNA position 740, G replaced by A.
Protein change: p.Gly247Asp; replaces glycine 247 with aspartic acid.
Molecular consequence: missense variant. On other transcripts: 3 prime UTR variant (1).
Genome position (GRCh38, 1-based): chr19:40,397,612, C>T on the plus strand (G>A on the coding strand, the complement: PRX is on the minus strand). VCF-style: chr19-40397612-C-T. GRCh37 (hg19) VCF-style: chr19-40903519-C-T.
Other names: c.*945G>A (NM_020956.2); short protein forms G247D.
Identifiers: ClinVar variation 574382 (VCV000574382.8), dbSNP rs1568709200, ClinGen allele CA405899781.
Genomic context (GRCh38, chr19:40,397,612, plus strand): 5'-GCAAAGCCACCAGCTGCCTCTGCTGAGGGGGCAGCCTTGGGGGCTGAGACCTGGGGGACA[C>T]CCACCTCCGCCCCTGGCAGCCGCGGCCCAACCAGCTCCACCTGAGGGGCTGTGAAACGAG-3'
Protein context (NP_870998.2, residues 237-257): VGPRLPGAEV[Gly247Asp]VPQVSAPKAA